The following is an entry in ClinVar:

NM_015378.4(VPS13D):c.8762G>A (p.Gly2921Glu)

Gene: VPS13D (vacuolar protein sorting 13 homolog D; plus strand). Cytogenetic location: 1p36.22.
Variant type: single nucleotide variant.
Coding change: c.8762G>A on transcript NM_015378.4 (MANE Select); coding-DNA position 8762, G replaced by A.
Protein change: p.Gly2921Glu; replaces glycine 2921 with glutamic acid.
Molecular consequence: missense variant.
Genome position (GRCh38, 1-based): chr1:12,342,928, G>A. VCF-style: chr1-12342928-G-A. GRCh37 (hg19) VCF-style: chr1-12402985-G-A.
Other names: c.8687G>A, p.Gly2896Glu (NM_018156.4); short protein forms G2896E, G2921E.
Identifiers: ClinVar variation 1917026 (VCV001917026.5), dbSNP rs777736762, ClinGen allele CA603244.

ClinVar aggregate classification (germline): Uncertain significance (1 of 4 stars; one submission).

Allele frequency attached by ClinVar (database versions not stated): gnomAD exomes below 0.00001; ExAC 0.00001; gnomAD 0.00001.
gnomAD v4.1: 2 of 1,613,372 alleles (0.00012%); highest among the groups gnomAD compares: Admixed American, 0.0017%; no homozygotes.

Submission:

Labcorp Genetics (formerly Invitae), Labcorp
Classification: Uncertain significance. Last evaluated: 2022-06-20. Review status: criteria provided, single submitter. Criteria: Invitae Variant Classification Sherloc (09022015). Collection method: clinical testing. Allele origin: germline.
Comment: Algorithms developed to predict the effect of missense changes on protein structure and function are either unavailable or do not agree on the potential impact of this missense change (SIFT: "Not Available"; PolyPhen-2: "Benign"; Align-GVGD: "Not Available"). This variant has not been reported in the literature in individuals affected with VPS13D-related conditions. This variant is present in population databases (rs777736762, gnomAD 0.003%). This sequence change replaces glycine, which is neutral and non-polar, with glutamic acid, which is acidic and polar, at codon 2921 of the VPS13D protein (p.Gly2921Glu). In summary, the available evidence is currently insufficient to determine the role of this variant in disease. Therefore, it has been classified as a Variant of Uncertain Significance.